The following is an entry in ClinVar:

NM_181703.4(GJA5):c.218C>A (p.Ser73Tyr)

Gene: GJA5 (gap junction protein alpha 5; minus strand). Cytogenetic location: 1q21.2.
Variant type: single nucleotide variant.
Coding change: c.218C>A on transcript NM_181703.4 (MANE Select); coding-DNA position 218, C replaced by A.
Protein change: p.Ser73Tyr; replaces serine 73 with tyrosine.
Molecular consequence: missense variant.
Genome position (GRCh38, 1-based): chr1:147,759,021, G>T on the plus strand (C>A on the coding strand, the complement: GJA5 is on the minus strand). VCF-style: chr1-147759021-G-T. GRCh37 (hg19) VCF-style: chr1-147231129-G-T.
Other names: c.218C>A, p.Ser73Tyr (NM_005266.7); short protein forms S73Y.
Identifiers: ClinVar variation 4527217 (VCV004527217.1).

ClinVar aggregate classification (germline): Uncertain significance (1 of 4 stars; one submission).

Submission:

GeneDx
Classification: Uncertain significance. Last evaluated: 2025-04-21. Review status: criteria provided, single submitter. Criteria: GeneDx Variant Classification Process June 2021. Collection method: clinical testing. Allele origin: germline. Affected: yes.
Comment: Not observed at significant frequency in large population cohorts (gnomAD); In silico analysis supports that this missense variant has a deleterious effect on protein structure/function; Has not been previously published as pathogenic or benign to our knowledge